The following is an entry in ClinVar:

ClinVar aggregate classification (germline): Uncertain significance. Review status: criteria provided, multiple submitters, no conflicts (2 of 4 stars). 2 submissions from 2 submitters: Uncertain significance (2). Last evaluated 2024-06-13.

Submissions (2):

Revvity Omics, Revvity
Classification: Uncertain significance. Last evaluated: 2024-06-13. Review status: criteria provided, single submitter. Criteria: ACMG Guidelines, 2015. Collection method: clinical testing. Allele origin: germline.

Labcorp Genetics (formerly Invitae), Labcorp
Classification: Uncertain significance. Last evaluated: 2024-02-21. Review status: criteria provided, single submitter. Criteria: Invitae Variant Classification Sherloc (09022015). Collection method: clinical testing. Allele origin: germline.
Comment: This sequence change replaces aspartic acid, which is acidic and polar, with glutamic acid, which is acidic and polar, at codon 47 of the BMP2 protein (p.Asp47Glu). The frequency data for this variant in the population databases is considered unreliable, as metrics indicate poor data quality at this position in the gnomAD database. This variant has not been reported in the literature in individuals affected with BMP2-related conditions. Algorithms developed to predict the effect of missense changes on protein structure and function output the following: SIFT: "Not Available"; PolyPhen-2: "Benign"; Align-GVGD: "Not Available". The glutamic acid amino acid residue is found in multiple mammalian species, which suggests that this missense change does not adversely affect protein function. In summary, the available evidence is currently insufficient to determine the role of this variant in disease. Therefore, it has been classified as a Variant of Uncertain Significance.

NM_001200.4(BMP2):c.141C>A (p.Asp47Glu)

Gene: BMP2 (bone morphogenetic protein 2; plus strand). Cytogenetic location: 20p12.3.
Variant type: single nucleotide variant.
Coding change: c.141C>A on transcript NM_001200.4 (MANE Select); coding-DNA position 141, C replaced by A.
Protein change: p.Asp47Glu; replaces aspartic acid 47 with glutamic acid.
Molecular consequence: missense variant.
Genome position (GRCh38, 1-based): chr20:6,770,267, C>A. VCF-style: chr20-6770267-C-A. GRCh37 (hg19) VCF-style: chr20-6750914-C-A.
Other names: short protein forms D47E.
Identifiers: ClinVar variation 3608937 (VCV003608937.3).